The following is an entry in ClinVar:

NM_001005361.3(DNM2):c.1699C>T (p.Leu567=)

Gene: DNM2 (dynamin 2; plus strand). Cytogenetic location: 19p13.2.
Variant type: single nucleotide variant.
Coding change: c.1699C>T on transcript NM_001005361.3 (MANE Select); coding-DNA position 1699, C replaced by T.
Protein change: p.Leu567=; no amino-acid change (leucine 567 retained).
Molecular consequence: synonymous variant.
Genome position (GRCh38, 1-based): chr19:10,820,007, C>T. VCF-style: chr19-10820007-C-T. GRCh37 (hg19) VCF-style: chr19-10930683-C-T.
Other names: c.1699C>T, p.Leu567= (NM_001005360.3, NM_001190716.2); c.1687C>T, p.Leu563= (NM_001005362.3, NM_004945.4); c.1699C>T (NM_001005360.2).
Identifiers: ClinVar variation 1104925 (VCV001104925.11), dbSNP rs1477679266, ClinGen allele CA505492112.

ClinVar aggregate classification (germline): Likely benign. Review status: criteria provided, multiple submitters, no conflicts (2 of 4 stars). 2 submissions from 2 submitters: Likely benign (2). Last evaluated 2025-09-05.

Conditions:
DNM2-related disorder. Also called: DNM2-related condition.
Charcot-Marie-Tooth disease dominant intermediate B (CMTDIB). Also called: CHARCOT-MARIE-TOOTH NEUROPATHY, DOMINANT INTERMEDIATE B; Charcot-Marie-Tooth disease dominant intermediate 1; CMT DI1; Charcot-Marie-Tooth disease dominant intermediate I. Identifiers: Orphanet 100044, Orphanet 228179, MedGen C1847902, MONDO:0011674, OMIM 606482.

Allele frequency attached by ClinVar (database versions not stated): gnomAD exomes below 0.00001 and 0.00001.
gnomAD v4.1: 12 of 1,614,076 alleles (0.00074%); highest among the groups gnomAD compares: Non-Finnish European, 0.001%; no homozygotes.

Submissions (2):

Labcorp Genetics (formerly Invitae), Labcorp
Classification: Likely benign for Charcot-Marie-Tooth disease dominant intermediate B. Last evaluated: 2025-09-05. Review status: criteria provided, single submitter. Criteria: Invitae Variant Classification Sherloc (09022015). Collection method: clinical testing. Allele origin: germline.

PreventionGenetics, part of Exact Sciences
Classification: Likely benign for DNM2-related condition. Last evaluated: 2025-03-30. Review status: criteria provided, single submitter. Criteria: ACMG Guidelines, 2015. Collection method: clinical testing. Allele origin: germline.
Comment: This variant is classified as likely benign based on ACMG/AMP sequence variant interpretation guidelines (Richards et al. 2015 PMID: 25741868, with internal and published modifications).